The following is an entry in ClinVar:

NM_000142.5(FGFR3):c.673A>C (p.Asn225His)

Gene: FGFR3 (fibroblast growth factor receptor 3; plus strand). Cytogenetic location: 4p16.3.
Variant type: single nucleotide variant.
Coding change: c.673A>C on transcript NM_000142.5 (MANE Select); coding-DNA position 673, A replaced by C.
Protein change: p.Asn225His; replaces asparagine 225 with histidine.
Molecular consequence: missense variant. On other transcripts: non-coding transcript variant (1).
Genome position (GRCh38, 1-based): chr4:1,801,677, A>C. VCF-style: chr4-1801677-A-C. GRCh37 (hg19) VCF-style: chr4-1803404-A-C.
Other names: c.673A>C, p.Asn225His (NM_001163213.2, NM_001354809.2, NM_001354810.2 and 1 more transcripts); short protein forms N225H.
Identifiers: ClinVar variation 3370695 (VCV003370695.1).

ClinVar aggregate classification (germline): Uncertain significance (1 of 4 stars; one submission).

Submission:

GeneDx
Classification: Uncertain significance. Last evaluated: 2024-03-08. Review status: criteria provided, single submitter. Criteria: GeneDx Variant Classification Process June 2021. Collection method: clinical testing. Allele origin: germline. Affected: yes.
Comment: Not observed at significant frequency in large population cohorts (gnomAD); In silico analysis supports that this missense variant has a deleterious effect on protein structure/function; Has not been previously published as pathogenic or benign to our knowledge